The following is an entry in ClinVar:

ClinVar aggregate classification (germline): Uncertain significance. Review status: criteria provided, multiple submitters, no conflicts (2 of 4 stars). 2 submissions from 2 submitters: Uncertain significance (2). Last evaluated 2024-06-19.

Conditions:
Cardiovascular phenotype. Identifiers: MedGen CN230736.
Dilated cardiomyopathy 1JJ (CMD1JJ). Identifiers: Orphanet 154, MedGen C3808935, MONDO:0014095, OMIM 615235.

Allele frequency attached by ClinVar (database versions not stated): TOPMed 0.00001.
gnomAD v4.1: 4 of 1,613,898 alleles (0.00025%); highest among the groups gnomAD compares: South Asian, 0.0011%; no homozygotes.

Submissions (2):

Labcorp Genetics (formerly Invitae), Labcorp
Classification: Uncertain significance for Dilated cardiomyopathy 1JJ. Last evaluated: 2024-06-19. Review status: criteria provided, single submitter. Criteria: Invitae Variant Classification Sherloc (09022015). Collection method: clinical testing. Allele origin: germline.
Comment: This sequence change replaces glutamic acid, which is acidic and polar, with lysine, which is basic and polar, at codon 445 of the LAMA4 protein (p.Glu445Lys). This variant is present in population databases (no rsID available, gnomAD 0.003%). This variant has not been reported in the literature in individuals affected with LAMA4-related conditions. ClinVar contains an entry for this variant (Variation ID: 2624877). An algorithm developed to predict the effect of missense changes on protein structure and function (PolyPhen-2) suggests that this variant is likely to be tolerated. In summary, the available evidence is currently insufficient to determine the role of this variant in disease. Therefore, it has been classified as a Variant of Uncertain Significance.

Ambry Genetics
Classification: Uncertain significance for Cardiovascular phenotype. Last evaluated: 2023-07-26. Review status: criteria provided, single submitter. Criteria: Ambry Variant Classification Scheme 2023. Collection method: clinical testing. Allele origin: germline.
Comment: The p.E445K variant (also known as c.1333G>A), located in coding exon 10 of the LAMA4 gene, results from a G to A substitution at nucleotide position 1333. The glutamic acid at codon 445 is replaced by lysine, an amino acid with similar properties. This amino acid position is conserved. In addition, this alteration is predicted to be tolerated by in silico analysis. Since supporting evidence is limited at this time, the clinical significance of this alteration remains unclear.

NM_001105206.3(LAMA4):c.1354G>A (p.Glu452Lys)

Gene: LAMA4 (laminin subunit alpha 4; minus strand). Cytogenetic location: 6q21.
Variant type: single nucleotide variant.
Coding change: c.1354G>A on transcript NM_001105206.3 (MANE Select); coding-DNA position 1354, G replaced by A.
Protein change: p.Glu452Lys; replaces glutamic acid 452 with lysine.
Molecular consequence: missense variant.
Genome position (GRCh38, 1-based): chr6:112,175,316, C>T on the plus strand (G>A on the coding strand, the complement: LAMA4 is on the minus strand). VCF-style: chr6-112175316-C-T. GRCh37 (hg19) VCF-style: chr6-112496518-C-T.
Other names: c.1333G>A, p.Glu445Lys (NM_002290.5, NM_001105207.3); short protein forms E452K, E445K.
Identifiers: ClinVar variation 2624877 (VCV002624877.5), dbSNP rs1554343251, ClinGen allele CA365371537.